The following is an entry in ClinVar:

NM_006005.3(WFS1):c.632-5T>C

Gene: WFS1 (wolframin ER transmembrane glycoprotein; plus strand). Cytogenetic location: 4p16.1.
Variant type: single nucleotide variant.
Coding change: c.632-5T>C on transcript NM_006005.3 (MANE Select); 5 bases into the intron before coding-DNA position 632, T replaced by C.
Molecular consequence: intron variant.
Genome position (GRCh38, 1-based): chr4:6,291,912, T>C. VCF-style: chr4-6291912-T-C. GRCh37 (hg19) VCF-style: chr4-6293639-T-C.
Other names: c.632-5T>C (NM_001145853.1).
Identifiers: ClinVar variation 682351 (VCV000682351.2), dbSNP rs1578597647, ClinGen allele CA915944124.

ClinVar aggregate classification (germline): Likely benign. Review status: criteria provided, multiple submitters, no conflicts (2 of 4 stars). 2 submissions from 2 submitters: Likely benign (2). Last evaluated 2018-05-08.

Conditions:
Wolfram syndrome 1 (WFS1). Identifiers: Orphanet 3463, MedGen C4551693, MONDO:0009101, OMIM 222300.

Allele frequency attached by ClinVar (database versions not stated): gnomAD exomes below 0.00001.
gnomAD v4.1: 1 of 1,608,822 alleles (0.000062%); highest among the groups gnomAD compares: Non-Finnish European, 0.000085%; no homozygotes.

Submissions (2):

GeneDx
Classification: Likely benign. Last evaluated: 2018-05-08. Review status: criteria provided, single submitter. Criteria: GeneDx Variant Classification (06012015). Collection method: clinical testing. Allele origin: germline. Affected: yes.
Comment: This variant is considered likely benign or benign based on one or more of the following criteria: it is a conservative change, it occurs at a poorly conserved position in the protein, it is predicted to be benign by multiple in silico algorithms, and/or has population frequency not consistent with disease.

Clinical Genomics, Uppaluri K&H Personalized Medicine Clinic
Classification: Likely benign for Wolfram syndrome 1. Review status: criteria provided, single submitter. Criteria: K & H Uppaluri Personalized Medicine Clinic Variant Classification & Assertion Criteria_Updated V.1. Collection method: research. Allele origin: unknown. Inheritance: Autosomal recessive inheritance.
Comment: Potent mutations in WFS1 gene are associated with Wolfram's syndrome, an autosomal recessive condition, which cause diabetes mellitus, diabetes insipidus, deafness and optic atrophy. However no sufficient evidence is found to ascertain the role of this particular variant rs1578597647 in Wolfram's syndrome yet.

Literature cited by the submitters: PubMed 20738327 (cited by Clinical Genomics, Uppaluri K&H Personalized Medicine Clinic); PubMed 33879153 (cited by Clinical Genomics, Uppaluri K&H Personalized Medicine Clinic); PubMed 12955714 (cited by Clinical Genomics, Uppaluri K&H Personalized Medicine Clinic); PubMed 18060660 (cited by Clinical Genomics, Uppaluri K&H Personalized Medicine Clinic); PubMed 20301750 (cited by Clinical Genomics, Uppaluri K&H Personalized Medicine Clinic); PubMed 17603484 (cited by Clinical Genomics, Uppaluri K&H Personalized Medicine Clinic).